The following is an entry in ClinVar:

ClinVar aggregate classification (germline): Likely benign. Review status: criteria provided, multiple submitters, no conflicts (2 of 4 stars). 3 submissions from 3 submitters: Likely benign (3). Last evaluated 2026-08-24.

Conditions:
Inborn genetic diseases. Identifiers: MedGen C0950123, MeSH D030342.
Amyotrophic lateral sclerosis type 1 (ALS1). Also called: AMYOTROPHIC LATERAL SCLEROSIS 1, FAMILIAL. Identifiers: Orphanet 803, MedGen C1862939, MONDO:0007103, OMIM 105400.

Allele frequency attached by ClinVar (database versions not stated): gnomAD exomes 0.00002 and 0.00006; ExAC 0.00008; 1000 Genomes Project 30x 0.00016; 1000 Genomes Project 0.00020; ESP Exome Variant Server 0.00023; gnomAD 0.00025 and 0.00026; TOPMed 0.00025.
gnomAD v4.1: 69 of 1,613,020 alleles (0.0043%); highest among the groups gnomAD compares: African/African-American, 0.079%; no homozygotes.

Submissions (3):

Ambry Genetics
Classification: Likely benign for Inborn genetic diseases. Last evaluated: 2026-08-24. Review status: criteria provided, single submitter. Criteria: Ambry Variant Classification Scheme 2023. Collection method: clinical testing. Allele origin: germline.

Mayo Clinic Laboratories, Mayo Clinic
Classification: Likely benign. Last evaluated: 2025-10-19. Review status: criteria provided, single submitter. Criteria: ACMG Guidelines, 2015. Collection method: clinical testing. Allele origin: germline. Observed: 1 variant allele.
Comment: BP4, BP7

Labcorp Genetics (formerly Invitae), Labcorp
Classification: Likely benign for Amyotrophic lateral sclerosis type 1. Last evaluated: 2025-06-12. Review status: criteria provided, single submitter. Criteria: Invitae Variant Classification Sherloc (09022015). Collection method: clinical testing. Allele origin: germline.

NM_000454.5(SOD1):c.195T>C (p.Phe65=)

Gene: SOD1 (superoxide dismutase 1; plus strand). Cytogenetic location: 21q22.11.
Variant type: single nucleotide variant.
Coding change: c.195T>C on transcript NM_000454.5 (MANE Select); coding-DNA position 195, T replaced by C.
Protein change: p.Phe65=; no amino-acid change (phenylalanine 65 retained).
Molecular consequence: synonymous variant.
Genome position (GRCh38, 1-based): chr21:31,666,474, T>C. VCF-style: chr21-31666474-T-C. GRCh37 (hg19) VCF-style: chr21-33038787-T-C.
Other names: p.Phe65=.
Identifiers: ClinVar variation 703873 (VCV000703873.13), dbSNP rs147620646, ClinGen allele CA9998919.
Genomic context (GRCh38, chr21:31,666,474, plus strand): 5'-ATAATTTAGCTTTTTTTTCTTCTTCTTATAAATAGGCTGTACCAGTGCAGGTCCTCACTT[T>C]AATCCTCTATCCAGAAAACACGGTGGGCCAAAGGATGAAGAGAGGTAACAAGATGCTTAA-3'
Protein context (NP_000445.1, residues 55-75): TAGCTSAGPH[Phe65=]NPLSRKHGGP